The following is an entry in ClinVar:

NM_001267550.2(TTN):c.35617A>G (p.Lys11873Glu)

Gene: TTN (titin; minus strand). Cytogenetic location: 2q31.2.
Variant type: single nucleotide variant.
Coding change: c.35617A>G on transcript NM_001267550.2 (MANE Select); coding-DNA position 35617, A replaced by G.
Protein change: p.Lys11873Glu; replaces lysine 11873 with glutamic acid.
Molecular consequence: missense variant. On other transcripts: intron variant (5).
Genome position (GRCh38, 1-based): chr2:178,667,650, T>C on the plus strand (A>G on the coding strand, the complement: TTN is on the minus strand). VCF-style: chr2-178667650-T-C. GRCh37 (hg19) VCF-style: chr2-179532377-T-C.
Other names: c.13283-25333A>G (NM_003319.4); c.13859-25333A>G (NM_133437.4); c.13658-25333A>G (NM_133432.3); c.31483+2568A>G (NM_133378.4); c.34264+2568A>G (NM_001256850.1); short protein forms K11873E.
Identifiers: ClinVar variation 4988887 (VCV004988887.1).

ClinVar aggregate classification (germline): Uncertain significance (1 of 4 stars; one submission).

Conditions:
TTN-related disorder. Also called: TTN-related disorders; TTN-related condition; TTN-related disease.

gnomAD v4.1: 113 of 1,596,886 alleles (0.0071%); highest among the groups gnomAD compares: East Asian, 0.25%; 1 homozygote.

Submission:

PreventionGenetics, part of Exact Sciences
Classification: Uncertain significance for TTN-related condition. Last evaluated: 2025-05-15. Review status: criteria provided, single submitter. Criteria: ACMG Guidelines, 2015. Collection method: clinical testing. Allele origin: germline.
Comment: The TTN c.35617A>G variant is predicted to result in the amino acid substitution p.Lys11873Glu. To our knowledge, this variant has not been reported in the literature. This variant is reported in 0.057% of alleles in individuals of East Asian descent in gnomAD. Although we suspect that this variant may be benign, at this time, the clinical significance of this variant is uncertain due to the absence of conclusive functional and genetic evidence.